The following is an entry in ClinVar:

ClinVar aggregate classification (germline): Likely benign. Review status: criteria provided, multiple submitters, no conflicts (2 of 4 stars). 2 submissions from 2 submitters: Likely benign (2). Last evaluated 2025-06-27.

Conditions:
Leigh syndrome (NULS). Also called: Leigh's syndrome; Leigh Disease; LEIGH SYNDROME, NUCLEAR; Subacute necrotizing encephalopathy; Necrotizing encephalopathy infantile subacute of Leigh; Leigh's necrotizing encephalopathy. Identifiers: Orphanet 506, MedGen C2931891, MONDO:0009723, OMIM 256000.

Allele frequency attached by ClinVar (database versions not stated): gnomAD exomes 0.00003; gnomAD 0.00005; TOPMed 0.00005.
gnomAD v4.1: 52 of 1,613,712 alleles (0.0032%); highest among the groups gnomAD compares: Non-Finnish European, 0.0039%; no homozygotes.

Submissions (2):

Mayo Clinic Laboratories, Mayo Clinic
Classification: Likely benign. Last evaluated: 2025-06-27. Review status: criteria provided, single submitter. Criteria: ACMG Guidelines, 2015. Collection method: clinical testing. Allele origin: germline. Observed: 1 variant allele.
Comment: BP4, BP7

Labcorp Genetics (formerly Invitae), Labcorp
Classification: Likely benign for Leigh syndrome. Last evaluated: 2025-05-11. Review status: criteria provided, single submitter. Criteria: Invitae Variant Classification Sherloc (09022015). Collection method: clinical testing. Allele origin: germline.

NM_003172.4(SURF1):c.834-4C>T

Gene: SURF1 (SURF1 cytochrome c oxidase assembly factor; minus strand). Cytogenetic location: 9q34.2.
Variant type: single nucleotide variant.
Coding change: c.834-4C>T on transcript NM_003172.4 (MANE Select); 4 bases into the intron before coding-DNA position 834, C replaced by T.
Molecular consequence: intron variant.
Genome position (GRCh38, 1-based): chr9:133,351,986, G>A on the plus strand (C>T on the coding strand, the complement: SURF1 is on the minus strand). VCF-style: chr9-133351986-G-A. GRCh37 (hg19) VCF-style: chr9-136218841-G-A.
Other names: p.?; c.507-4C>T (NM_001280787.1).
Identifiers: ClinVar variation 1668497 (VCV001668497.9), dbSNP rs375626121, ClinGen allele CA200831953.